The following is an entry in ClinVar:

ClinVar aggregate classification (germline): Uncertain significance (1 of 4 stars; one submission).

Allele frequency attached by ClinVar (database versions not stated): gnomAD exomes 0.00001; ExAC 0.00001.
gnomAD v4.1: 7 of 1,614,226 alleles (0.00043%); highest among the groups gnomAD compares: South Asian, 0.0055%; no homozygotes.

Submission:

GeneDx
Classification: Uncertain significance. Last evaluated: 2019-05-21. Review status: criteria provided, single submitter. Criteria: GeneDx Variant Classification Process June 2021. Collection method: clinical testing. Allele origin: germline. Affected: yes.
Comment: Has not been previously published as pathogenic or benign to our knowledge; In silico analysis, which includes protein predictors and evolutionary conservation, supports that this variant does not alter protein structure/function

NM_000382.3(ALDH3A2):c.202A>G (p.Ile68Val)

Gene: ALDH3A2 (aldehyde dehydrogenase 3 family member A2; plus strand). Cytogenetic location: 17p11.2.
Variant type: single nucleotide variant.
Coding change: c.202A>G on transcript NM_000382.3 (MANE Select); coding-DNA position 202, A replaced by G.
Protein change: p.Ile68Val; replaces isoleucine 68 with valine.
Molecular consequence: missense variant. On other transcripts: 5 prime UTR variant (1).
Genome position (GRCh38, 1-based): chr17:19,651,595, A>G. VCF-style: chr17-19651595-A-G. GRCh37 (hg19) VCF-style: chr17-19554908-A-G.
Other names: c.202A>G, p.Ile68Val (NM_001031806.2, NM_001369136.1, NM_001369137.2 and 3 more transcripts); c.-487A>G (NM_001369148.2); short protein forms I68V.
Identifiers: ClinVar variation 1302604 (VCV001302604.2), dbSNP rs760752013, ClinGen allele CA8442751.